The following is an entry in ClinVar:

NM_006231.4(POLE):c.4371C>T (p.Gly1457=)

Gene: POLE (DNA polymerase epsilon, catalytic subunit; minus strand). Cytogenetic location: 12q24.33.
Variant type: single nucleotide variant.
Coding change: c.4371C>T on transcript NM_006231.4 (MANE Select); coding-DNA position 4371, C replaced by T.
Protein change: p.Gly1457=; no amino-acid change (glycine 1457 retained).
Molecular consequence: synonymous variant.
Genome position (GRCh38, 1-based): chr12:132,643,480, G>A on the plus strand (C>T on the coding strand, the complement: POLE is on the minus strand). VCF-style: chr12-132643480-G-A. GRCh37 (hg19) VCF-style: chr12-133220066-G-A.
Identifiers: ClinVar variation 405746 (VCV000405746.12), dbSNP rs771489059, ClinGen allele CA6892872.

ClinVar aggregate classification (germline): Likely benign. Review status: criteria provided, multiple submitters, no conflicts (2 of 4 stars). 3 submissions from 3 submitters: Likely benign (3). Last evaluated 2025-12-31.

Conditions:
Hereditary cancer-predisposing syndrome. Also called: Hereditary Cancer Syndrome; Hereditary neoplastic syndrome; Neoplastic Syndromes, Hereditary; Tumor predisposition. Identifiers: Orphanet 140162, MedGen C0027672, MeSH D009386, MONDO:0015356.

Allele frequency attached by ClinVar (database versions not stated): gnomAD 0.00001; gnomAD exomes 0.00001 and 0.00002; TOPMed 0.00001; ExAC 0.00002.
gnomAD v4.1: 6 of 1,614,092 alleles (0.00037%); highest among the groups gnomAD compares: Admixed American, 0.005%; no homozygotes.

Submissions (3):

Labcorp Genetics (formerly Invitae), Labcorp
Classification: Likely benign. Last evaluated: 2025-12-31. Review status: criteria provided, single submitter. Criteria: Invitae Variant Classification Sherloc (09022015). Collection method: clinical testing. Allele origin: germline.

Ambry Genetics
Classification: Likely benign for Hereditary cancer-predisposing syndrome. Last evaluated: 2019-05-01. Review status: criteria provided, single submitter. Criteria: Ambry Variant Classification Scheme 2023. Collection method: clinical testing. Allele origin: germline.

GeneDx
Classification: Likely benign. Last evaluated: 2018-01-14. Review status: criteria provided, single submitter. Criteria: GeneDx Variant Classification (06012015). Collection method: clinical testing. Allele origin: germline. Affected: yes.
Comment: This variant is considered likely benign or benign based on one or more of the following criteria: it is a conservative change, it occurs at a poorly conserved position in the protein, it is predicted to be benign by multiple in silico algorithms, and/or has population frequency not consistent with disease.